The following is an entry in ClinVar:

ClinVar aggregate classification (germline): Uncertain significance (1 of 4 stars; one submission).

Conditions:
Familial thoracic aortic aneurysm and aortic dissection (TAAD). Also called: Thoracic aortic aneurysms and dissections. Identifiers: Orphanet 91387, MedGen C4707243, MONDO:0019625.
Marfan syndrome (MFS). Also called: MARFAN SYNDROME, TYPE I; Marfan syndrome type 1; Marfan's syndrome; Marfan syndrome, classic; FBN1-Related Marfan Syndrome. Identifiers: Orphanet 284963, Orphanet 558, MedGen C0024796, MONDO:0007947, OMIM 154700.

Submission:

Labcorp Genetics (formerly Invitae), Labcorp
Classification: Uncertain significance for Marfan syndrome; Familial thoracic aortic aneurysm and aortic dissection. Last evaluated: 2022-05-25. Review status: criteria provided, single submitter. Criteria: Invitae Variant Classification Sherloc (09022015). Collection method: clinical testing. Allele origin: germline.
Comment: Algorithms developed to predict the effect of missense changes on protein structure and function are either unavailable or do not agree on the potential impact of this missense change (SIFT: "Tolerated"; PolyPhen-2: "Possibly Damaging"; Align-GVGD: "Class C0"). This variant has not been reported in the literature in individuals affected with FBN1-related conditions. In summary, the available evidence is currently insufficient to determine the role of this variant in disease. Therefore, it has been classified as a Variant of Uncertain Significance. This variant is not present in population databases (gnomAD no frequency). This sequence change replaces aspartic acid, which is acidic and polar, with glycine, which is neutral and non-polar, at codon 1677 of the FBN1 protein (p.Asp1677Gly).

NM_000138.5(FBN1):c.5030A>G (p.Asp1677Gly)

Gene: FBN1 (fibrillin 1; minus strand). Cytogenetic location: 15q21.1.
Variant type: single nucleotide variant.
Coding change: c.5030A>G on transcript NM_000138.5 (MANE Select); coding-DNA position 5030, A replaced by G.
Protein change: p.Asp1677Gly; replaces aspartic acid 1677 with glycine.
Molecular consequence: missense variant.
Genome position (GRCh38, 1-based): chr15:48,463,934, T>C on the plus strand (A>G on the coding strand, the complement: FBN1 is on the minus strand). VCF-style: chr15-48463934-T-C. GRCh37 (hg19) VCF-style: chr15-48756131-T-C.
Other names: c.5030A>G, p.Asp1677Gly (NM_001406716.1); short protein forms D1677G.
Identifiers: ClinVar variation 1998376 (VCV001998376.4), dbSNP rs2505493223, ClinGen allele CA392349778.